The following is an entry in ClinVar:

ClinVar aggregate classification (germline): Likely benign. Review status: reviewed by expert panel (3 of 4 stars). 4 submissions from 4 submitters: Likely benign (1). 3 of the submissions do not count toward it. Last evaluated 2022-02-10.

Conditions:
Hereditary thrombocytopenia and hematologic cancer predisposition syndrome. Identifiers: Orphanet 71290, MedGen CN281654, MONDO:0011071.
Inborn genetic diseases. Identifiers: MedGen C0950123, MeSH D030342.
Hereditary thrombocytopenia and hematological cancer predisposition syndrome associated with RUNX1. Also called: Familial Platelet Disorder with Propensity to Acute Myelogenous Leukemia; PLATELET DISORDER, ASPIRIN-LIKE; RUNX1 Familial Platelet Disorder with Associated Myeloid Malignancies; Familial thrombocytopenia with propensity to acute myelogenous leukemia. Identifiers: Orphanet 71290, MedGen C1832388, MeSH C563324, MONDO:0100083, OMIM 601399.

Allele frequency attached by ClinVar (database versions not stated): gnomAD 0.00001; TOPMed 0.00003.
gnomAD v4.1: 11 of 1,614,074 alleles (0.00068%); highest among the groups gnomAD compares: East Asian, 0.0022%; no homozygotes.

Submissions (4):

ClinGen Myeloid Malignancy Variant Curation Expert Panel
Classification: Likely benign for Hereditary thrombocytopenia and hematologic cancer predisposition syndrome. Last evaluated: 2022-02-10. Review status: reviewed by expert panel. Criteria: ClinGen MyeloMalig ACMG Specifications v2. Collection method: curation. Allele origin: germline. Inheritance: Autosomal dominant inheritance.
Comment: NM_001754.5(RUNX1):c.558C>T (p.Val186=) is synonymous variant. No REVEL score because synonymous variant and SpliceAI is ≤0.20 (0.00) meeting BP4 . Evolutionary conservation prediction algorithms predict the site as not being conserved (phyloP -1.3873 < 2.0) meeting BP7. In summary, this variant meets criteria to be classified as likely benign. ACMG/AMP criteria applied, as specified by the Myeloid Malignancy Variant Curation Expert Panel for RUNX1: BP4 and BP7

Labcorp Genetics (formerly Invitae), Labcorp
Classification: Likely benign for Hereditary thrombocytopenia and hematological cancer predisposition syndrome associated with RUNX1. Last evaluated: 2025-03-13. Review status: criteria provided, single submitter. Criteria: Invitae Variant Classification Sherloc (09022015). Collection method: clinical testing. Allele origin: germline. Not counted in ClinVar's aggregate classification.

Ambry Genetics
Classification: Likely benign for Inborn genetic diseases. Last evaluated: 2024-12-19. Review status: criteria provided, single submitter. Criteria: Ambry Variant Classification Scheme 2023. Collection method: clinical testing. Allele origin: germline. Not counted in ClinVar's aggregate classification.

Blueprint Genetics
Classification: Likely benign. Last evaluated: 2023-11-21. Review status: criteria provided, single submitter. Criteria: ACMG Guidelines, 2015. Collection method: clinical testing. Allele origin: germline. Not counted in ClinVar's aggregate classification.

NM_001754.5(RUNX1):c.558C>T (p.Val186=)

Genes: RUNX1 (RUNX family transcription factor 1; minus strand), RUNX1-AS1 (RUNX1 antisense RNA 1; plus strand). Cytogenetic location: 21q22.12.
Variant type: single nucleotide variant.
Coding change: c.558C>T on transcript NM_001754.5 (MANE Select); coding-DNA position 558, C replaced by T.
Protein change: p.Val186=; no amino-acid change (valine 186 retained).
Molecular consequence: synonymous variant.
Genome position (GRCh38, 1-based): chr21:34,859,529, G>A on the plus strand (C>T on the coding strand, the complement: RUNX1 is on the minus strand). VCF-style: chr21-34859529-G-A. GRCh37 (hg19) VCF-style: chr21-36231826-G-A.
Other names: NM_001754.5(RUNX1):c.558C>T; p.Val186=; c.477C>T, p.Val159= (NM_001001890.3, NM_001122607.2).
Identifiers: ClinVar variation 532684 (VCV000532684.15), dbSNP rs938065676, ClinGen allele CA320618002.